The following is an entry in ClinVar:

NM_032888.4(COL27A1):c.3887C>T (p.Pro1296Leu)

Gene: COL27A1 (collagen type XXVII alpha 1 chain; plus strand). Cytogenetic location: 9q32.
Variant type: single nucleotide variant.
Coding change: c.3887C>T on transcript NM_032888.4 (MANE Select); coding-DNA position 3887, C replaced by T.
Protein change: p.Pro1296Leu; replaces proline 1296 with leucine.
Molecular consequence: missense variant.
Genome position (GRCh38, 1-based): chr9:114,283,716, C>T. VCF-style: chr9-114283716-C-T. GRCh37 (hg19) VCF-style: chr9-117045996-C-T.
Other names: c.3887C>T (NM_032888.2); short protein forms P1296L.
Identifiers: ClinVar variation 2184132 (VCV002184132.2), dbSNP rs772475329, ClinGen allele CA5202664.
Genomic context (GRCh38, chr9:114,283,716, plus strand): 5'-TCCCCGCTGTGAGAGCCACACTCCATACCAACGAGGGTCTCCTCCTCTTGTAGGGTGCTC[C>T]GGGACGCATGGGGGCCCAAGGAGAACCGGGACTGGCTGGTTATGATGTAAGCAGATATCA-3'
Protein context (NP_116277.2, residues 1286-1306): SRGSLGPTGA[Pro1296Leu]GRMGAQGEPG

ClinVar aggregate classification (germline): Uncertain significance. Review status: criteria provided, multiple submitters, no conflicts (2 of 4 stars). 2 submissions from 2 submitters: Uncertain significance (2). Last evaluated 2024-12-16.

Conditions:
Inborn genetic diseases. Identifiers: MedGen C0950123, MeSH D030342.

Allele frequency attached by ClinVar (database versions not stated): ExAC 0.00001; gnomAD 0.00002; gnomAD exomes 0.00002; TOPMed 0.00004.
gnomAD v4.1: 38 of 1,613,880 alleles (0.0024%); highest among the groups gnomAD compares: South Asian, 0.0033%; no homozygotes.

Submissions (2):

Ambry Genetics
Classification: Uncertain significance for Inborn genetic diseases. Last evaluated: 2024-12-16. Review status: criteria provided, single submitter. Criteria: Ambry Variant Classification Scheme 2023. Collection method: clinical testing. Allele origin: germline.

Labcorp Genetics (formerly Invitae), Labcorp
Classification: Uncertain significance. Last evaluated: 2022-07-25. Review status: criteria provided, single submitter. Criteria: Invitae Variant Classification Sherloc (09022015). Collection method: clinical testing. Allele origin: germline.
Comment: This sequence change replaces proline, which is neutral and non-polar, with leucine, which is neutral and non-polar, at codon 1296 of the COL27A1 protein (p.Pro1296Leu). This variant is present in population databases (rs772475329, gnomAD 0.004%). This variant has not been reported in the literature in individuals affected with COL27A1-related conditions. Advanced modeling of protein sequence and biophysical properties (such as structural, functional, and spatial information, amino acid conservation, physicochemical variation, residue mobility, and thermodynamic stability) performed at Invitae indicates that this missense variant is not expected to disrupt COL27A1 protein function. In summary, the available evidence is currently insufficient to determine the role of this variant in disease. Therefore, it has been classified as a Variant of Uncertain Significance.